The following is an entry in ClinVar:

ClinVar aggregate classification (germline): Likely benign. Review status: criteria provided, single submitter (1 of 4 stars). 2 submissions from 2 submitters: Likely benign (1). 1 of the submissions does not count toward it. Last evaluated 2025-09-23.

Conditions:
ERBIN-related disorder. Also called: ERBIN-related condition.

Allele frequency attached by ClinVar (database versions not stated): gnomAD exomes below 0.00001; gnomAD 0.00001; TOPMed 0.00002.
gnomAD v4.1: 3 of 1,563,194 alleles (0.00019%); highest among the groups gnomAD compares: Non-Finnish European, 0.00026%; no homozygotes.

Submissions (2):

Labcorp Genetics (formerly Invitae), Labcorp
Classification: Likely benign. Last evaluated: 2025-09-23. Review status: criteria provided, single submitter. Criteria: Invitae Variant Classification Sherloc (09022015). Collection method: clinical testing. Allele origin: germline.

PreventionGenetics, part of Exact Sciences
Classification: Likely benign for ERBIN-related condition. Last evaluated: 2024-02-01. Review status: no assertion criteria provided. Collection method: clinical testing. Allele origin: germline. Not counted in ClinVar's aggregate classification.
Comment: This variant is classified as likely benign based on ACMG/AMP sequence variant interpretation guidelines (Richards et al. 2015 PMID: 25741868, with internal and published modifications).

NM_001253697.2(ERBIN):c.699A>G (p.Thr233=)

Gene: ERBIN (erbb2 interacting protein; plus strand). Cytogenetic location: 5q12.3.
Variant type: single nucleotide variant.
Coding change: c.699A>G on transcript NM_001253697.2 (MANE Select); coding-DNA position 699, A replaced by G.
Protein change: p.Thr233=; no amino-acid change (threonine 233 retained).
Molecular consequence: synonymous variant.
Genome position (GRCh38, 1-based): chr5:66,024,332, A>G. VCF-style: chr5-66024332-A-G. GRCh37 (hg19) VCF-style: chr5-65320160-A-G.
Other names: c.699A>G, p.Thr233= (NM_001006600.3, NM_001253698.2, NM_001253699.2 and 2 more transcripts).
Identifiers: ClinVar variation 3047690 (VCV003047690.3), dbSNP rs1194082463, ClinGen allele CA444606638.